The following is an entry in ClinVar:

ClinVar aggregate classification (germline): Uncertain significance (1 of 4 stars; one submission).

Conditions:
Charcot-Marie-Tooth disease dominant intermediate C (CMTDIC). Also called: CHARCOT-MARIE-TOOTH NEUROPATHY, DOMINANT INTERMEDIATE C. Identifiers: Orphanet 100045, MedGen C1842237, MONDO:0012012, OMIM 608323.

Submission:

Labcorp Genetics (formerly Invitae), Labcorp
Classification: Uncertain significance for Charcot-Marie-Tooth disease dominant intermediate C. Last evaluated: 2021-09-11. Review status: criteria provided, single submitter. Criteria: Invitae Variant Classification Sherloc (09022015). Collection method: clinical testing. Allele origin: germline.
Comment: This sequence change replaces arginine with glycine at codon 418 of the YARS protein (p.Arg418Gly). The arginine residue is highly conserved and there is a moderate physicochemical difference between arginine and glycine. This variant is not present in population databases (ExAC no frequency). In summary, the available evidence is currently insufficient to determine the role of this variant in disease. Therefore, it has been classified as a Variant of Uncertain Significance. Algorithms developed to predict the effect of missense changes on protein structure and function are either unavailable or do not agree on the potential impact of this missense change (SIFT: "Not Available"; PolyPhen-2: "Possibly Damaging"; Align-GVGD: "Not Available"). This variant has not been reported in the literature in individuals affected with YARS-related conditions.

NM_003680.4(YARS1):c.1252A>G (p.Arg418Gly)

Gene: YARS1 (tyrosyl-tRNA synthetase 1; minus strand). Cytogenetic location: 1p35.1.
Variant type: single nucleotide variant.
Coding change: c.1252A>G on transcript NM_003680.4 (MANE Select); coding-DNA position 1252, A replaced by G.
Protein change: p.Arg418Gly; replaces arginine 418 with glycine.
Molecular consequence: missense variant.
Genome position (GRCh38, 1-based): chr1:32,780,167, T>C on the plus strand (A>G on the coding strand, the complement: YARS1 is on the minus strand). VCF-style: chr1-32780167-T-C. GRCh37 (hg19) VCF-style: chr1-33245768-T-C.
Other names: short protein forms R418G.
Identifiers: ClinVar variation 1681486 (VCV001681486.6), dbSNP rs2148599905, ClinGen allele CA339681510.
Genomic context (GRCh38, chr1:32,780,167, plus strand): 5'-CTTGGGACTCGACTCCTCTCATCTTCTGGGGTTTCAGGTTGCACAGCACCACTACCAGCC[T>C]GTCCTGCAGTTCCTCCTTGGGCACGAACTGTACCAGGCCGCTCACCACAGTCCGTGGTTC-3'
Protein context (NP_003671.1, residues 408-428): QFVPKEELQD[Arg418Gly]LVVVLCNLKP